The following is an entry in ClinVar:

NM_020320.5(RARS2):c.184C>T (p.Gln62Ter)

Gene: RARS2 (arginyl-tRNA synthetase 2, mitochondrial; minus strand). Cytogenetic location: 6q15.
Variant type: single nucleotide variant.
Coding change: c.184C>T on transcript NM_020320.5 (MANE Select); coding-DNA position 184, C replaced by T.
Protein change: p.Gln62Ter; replaces glutamine 62 with a stop codon.
Molecular consequence: nonsense. On other transcripts: 5 prime UTR variant (7), non-coding transcript variant (23).
Genome position (GRCh38, 1-based): chr6:87,564,159, G>A on the plus strand (C>T on the coding strand, the complement: RARS2 is on the minus strand). VCF-style: chr6-87564159-G-A. GRCh37 (hg19) VCF-style: chr6-88273877-G-A.
Other names: c.-286C>T (NM_001318785.2, NM_001350509.2); c.184C>T, p.Gln62Ter (NM_001350505.2); c.-342C>T (NM_001350506.2, NM_001350507.2, NM_001350510.2 and 1 more transcripts); c.-504C>T (NM_001350508.2); short protein forms Q62*.
Identifiers: ClinVar variation 1068811 (VCV001068811.7), dbSNP rs1788689886, ClinGen allele CA364940697.

ClinVar aggregate classification (germline): Pathogenic (1 of 4 stars; one submission).

Submission:

Labcorp Genetics (formerly Invitae), Labcorp
Classification: Pathogenic. Last evaluated: 2020-03-03. Review status: criteria provided, single submitter. Criteria: Invitae Variant Classification Sherloc (09022015). Collection method: clinical testing. Allele origin: germline.
Comment: This sequence change creates a premature translational stop signal (p.Gln62*) in the RARS2 gene. It is expected to result in an absent or disrupted protein product. This variant is not present in population databases (ExAC no frequency). This variant has not been reported in the literature in individuals with RARS2-related conditions. Loss-of-function variants in RARS2 are known to be pathogenic (PMID: 17847012, 22569581, 26083569). For these reasons, this variant has been classified as Pathogenic.

Literature cited by the submitters: PubMed 17847012; PubMed 22569581; PubMed 26083569.